The following is an entry in ClinVar:

ClinVar aggregate classification (germline): Uncertain significance (1 of 4 stars; one submission).

Submission:

Labcorp Genetics (formerly Invitae), Labcorp
Classification: Uncertain significance. Last evaluated: 2022-10-27. Review status: criteria provided, single submitter. Criteria: Invitae Variant Classification Sherloc (09022015). Collection method: clinical testing. Allele origin: unknown.
Comment: In summary, the available evidence is currently insufficient to determine the role of this variant in disease. Therefore, it has been classified as a Variant of Uncertain Significance. This variant has not been reported in the literature in individuals affected with PSMG2-related conditions. This variant is a gross deletion of the genomic region encompassing exon(s) 3 of the PSMG2 gene. This deletion is out-of-frame, and is expected to create a premature translational stop signal and result in an absent or disrupted protein product. However, the current clinical and genetic evidence is not sufficient to establish whether loss-of-function variants in PSMG2 cause disease.

NC_000018.9:g.(?_12712681)_(12712779_?)del

Gene: PSMG2 (proteasome assembly chaperone 2; plus strand). Cytogenetic location: 18p11.21.
Variant type: Deletion.
Identifiers: ClinVar variation 3242811 (VCV003242811.1).